The following is an entry in ClinVar:

ClinVar aggregate classification (germline): Uncertain significance. Review status: criteria provided, multiple submitters, no conflicts (2 of 4 stars). 4 submissions from 4 submitters: Uncertain significance (4). Last evaluated 2025-09-21.

Conditions:
LAMA4-related disorder. Also called: LAMA4-related condition.
Cardiovascular phenotype. Identifiers: MedGen CN230736.
Dilated cardiomyopathy 1JJ (CMD1JJ). Identifiers: Orphanet 154, MedGen C3808935, MONDO:0014095, OMIM 615235.

Allele frequency attached by ClinVar (database versions not stated): TOPMed 0.00004.
gnomAD v4.1: 40 of 1,614,150 alleles (0.0025%); highest among the groups gnomAD compares: Admixed American, 0.0067%; no homozygotes.

Submissions (4):

Ambry Genetics
Classification: Uncertain significance for Cardiovascular phenotype. Last evaluated: 2025-09-21. Review status: criteria provided, single submitter. Criteria: Ambry Variant Classification Scheme 2023. Collection method: clinical testing. Allele origin: germline.

Labcorp Genetics (formerly Invitae), Labcorp
Classification: Uncertain significance for Dilated cardiomyopathy 1JJ. Last evaluated: 2025-05-27. Review status: criteria provided, single submitter. Criteria: Invitae Variant Classification Sherloc (09022015). Collection method: clinical testing. Allele origin: germline.
Comment: This sequence change replaces threonine, which is neutral and polar, with methionine, which is neutral and non-polar, at codon 737 of the LAMA4 protein (p.Thr737Met). This variant is present in population databases (rs782380775, gnomAD 0.006%). This variant has not been reported in the literature in individuals affected with LAMA4-related conditions. ClinVar contains an entry for this variant (Variation ID: 1787762). Invitae Evidence Modeling of protein sequence and biophysical properties (such as structural, functional, and spatial information, amino acid conservation, physicochemical variation, residue mobility, and thermodynamic stability) has been performed for this missense variant. However, the output from this modeling did not meet the statistical confidence thresholds required to predict the impact of this variant on LAMA4 protein function. In summary, the available evidence is currently insufficient to determine the role of this variant in disease. Therefore, it has been classified as a Variant of Uncertain Significance.

PreventionGenetics, part of Exact Sciences
Classification: Uncertain significance for LAMA4-related condition. Last evaluated: 2025-01-23. Review status: criteria provided, single submitter. Criteria: ACMG Guidelines, 2015. Collection method: clinical testing. Allele origin: germline.
Comment: The LAMA4 c.2210C>T variant is predicted to result in the amino acid substitution p.Thr737Met. To our knowledge, this variant has not been reported in the literature. This variant is reported in 0.0056% of alleles in individuals of Latino descent in gnomAD. At this time, the clinical significance of this variant is uncertain due to the absence of conclusive functional and genetic evidence.

GeneDx
Classification: Uncertain significance. Last evaluated: 2023-03-16. Review status: criteria provided, single submitter. Criteria: GeneDx Variant Classification Process June 2021. Collection method: clinical testing. Allele origin: germline. Affected: yes.
Comment: In silico analysis supports that this missense variant does not alter protein structure/function; Has not been previously published as pathogenic or benign to our knowledge

NM_001105206.3(LAMA4):c.2231C>T (p.Thr744Met)

Gene: LAMA4 (laminin subunit alpha 4; minus strand). Cytogenetic location: 6q21.
Variant type: single nucleotide variant.
Coding change: c.2231C>T on transcript NM_001105206.3 (MANE Select); coding-DNA position 2231, C replaced by T.
Protein change: p.Thr744Met; replaces threonine 744 with methionine.
Molecular consequence: missense variant.
Genome position (GRCh38, 1-based): chr6:112,148,279, G>A on the plus strand (C>T on the coding strand, the complement: LAMA4 is on the minus strand). VCF-style: chr6-112148279-G-A. GRCh37 (hg19) VCF-style: chr6-112469481-G-A.
Other names: c.2210C>T (NM_002290.4); c.2210C>T, p.Thr737Met (NM_001105207.3, NM_002290.5); short protein forms T737M, T744M.
Identifiers: ClinVar variation 1787762 (VCV001787762.11), dbSNP rs782380775, ClinGen allele CA3965531.